The following is an entry in ClinVar:

NM_015272.5(RPGRIP1L):c.1290_1291del (p.Tyr431fs)

Gene: RPGRIP1L (RPGRIP1 like; minus strand). Cytogenetic location: 16q12.2.
Variant type: Deletion.
Coding change: c.1290_1291del on transcript NM_015272.5 (MANE Select); coding-DNA positions 1290 to 1291, 2 bases deleted (GT; older notation c.1290_1291delGT).
Protein change: p.Tyr431fs; shifts the reading frame from tyrosine 431.
Molecular consequence: frameshift variant.
Genome position (GRCh38, 1-based): chr16:53,658,831-53,658,832, AC deleted on the plus strand (GT on the coding strand, the reverse complement: RPGRIP1L is on the minus strand). VCF-style (leftmost placement, unchanged base first): chr16-53658830-TAC-T. GRCh37 (hg19) VCF-style: chr16-53692742-TAC-T.
Other names: c.1290_1291del, p.Tyr431fs (NM_001127897.4, NM_001308334.3, NM_001330538.2); c.1290_1291delGT (NM_015272.4); short protein forms Y431fs.
Identifiers: ClinVar variation 862715 (VCV000862715.10), dbSNP rs1381634873, ClinGen allele CA622655380.

ClinVar aggregate classification (germline): Pathogenic/Likely pathogenic. Review status: criteria provided, multiple submitters, no conflicts (2 of 4 stars). 3 submissions from 3 submitters: Pathogenic (1); Likely pathogenic (2). Last evaluated 2024-05-22.

Conditions:
Meckel-Gruber syndrome. Also called: DYSENCEPHALIA SPLANCHNOCYSTICA; GRUBER SYNDROME; Dysencephalia splachnocystica. Identifiers: Orphanet 564, MedGen C0265215, MONDO:0018921.
Joubert syndrome. Also called: CEREBELLOPARENCHYMAL DISORDER IV; JOUBERT-BOLTSHAUSER SYNDROME; Familial aplasia of the vermis. Identifiers: Orphanet 475, MedGen C5979921, MONDO:0018772.
COACH syndrome 3. Identifiers: MedGen C5436841, MONDO:0030862, OMIM 619113.
Joubert syndrome 7 (JBTS7). Identifiers: Orphanet 220497, MedGen C1969053, MONDO:0012694, OMIM 611560.
Meckel syndrome, type 5 (MKS5). Identifiers: Orphanet 564, MedGen C1969052, MONDO:0012695, OMIM 611561.

Allele frequency attached by ClinVar (database versions not stated): gnomAD exomes below 0.00001.

Submissions (3):

Natera, Inc.
Classification: Likely pathogenic for Joubert syndrome. Last evaluated: 2024-05-22. Review status: criteria provided, single submitter. Criteria: Natera Variant Classification Schema (03/2026). Collection method: clinical testing. Allele origin: germline.
Comment: The c.1290_1291delGT variant in RPGRIP1L is a frameshift variant predicted to shift the reading frame beginning at codon 431 and leads to a stop codon 8 codons downstream. This variant is expected to result in nonsense mediated decay, truncation, or a dysfunctional protein product. This variant is rare in the general population with a frequency below the threshold expected for the associated phenotype(s). Given the available evidence, this variant is classified as Likely Pathogenic.

Fulgent Genetics
Classification: Likely pathogenic for Joubert syndrome 7; Meckel syndrome, type 5; COACH syndrome 3. Last evaluated: 2024-01-02. Review status: criteria provided, single submitter. Criteria: ACMG Guidelines, 2015. Collection method: clinical testing. Allele origin: germline.

Labcorp Genetics (formerly Invitae), Labcorp
Classification: Pathogenic for Joubert syndrome; Meckel-Gruber syndrome. Last evaluated: 2023-11-21. Review status: criteria provided, single submitter. Criteria: Invitae Variant Classification Sherloc (09022015). Collection method: clinical testing. Allele origin: germline.
Comment: This sequence change creates a premature translational stop signal (p.Tyr431Serfs*8) in the RPGRIP1L gene. It is expected to result in an absent or disrupted protein product. Loss-of-function variants in RPGRIP1L are known to be pathogenic (PMID: 17558409). This variant is present in population databases (no rsID available, gnomAD 0.006%). This variant has not been reported in the literature in individuals affected with RPGRIP1L-related conditions. ClinVar contains an entry for this variant (Variation ID: 862715). For these reasons, this variant has been classified as Pathogenic.

Literature cited by the submitters: PubMed 17558409 (cited by Labcorp Genetics (formerly Invitae), Labcorp).